The following is an entry in ClinVar:

ClinVar aggregate classification (germline): Uncertain significance (1 of 4 stars; one submission).

gnomAD v4.1: 1 of 1,614,076 alleles (0.000062%); highest among the groups gnomAD compares: South Asian, 0.0011%; no homozygotes.

Submission:

Labcorp Genetics (formerly Invitae), Labcorp
Classification: Uncertain significance. Last evaluated: 2024-12-02. Review status: criteria provided, single submitter. Criteria: Invitae Variant Classification Sherloc (09022015). Collection method: clinical testing. Allele origin: germline.
Comment: This sequence change replaces serine, which is neutral and polar, with arginine, which is basic and polar, at codon 47 of the TCF20 protein (p.Ser47Arg). This variant is present in population databases (rs779136199, gnomAD 0.003%). This variant has not been reported in the literature in individuals affected with TCF20-related conditions. An algorithm developed to predict the effect of missense changes on protein structure and function (PolyPhen-2) suggests that this variant is likely to be tolerated. In summary, the available evidence is currently insufficient to determine the role of this variant in disease. Therefore, it has been classified as a Variant of Uncertain Significance.

NM_001378418.1(TCF20):c.141T>G (p.Ser47Arg)

Gene: TCF20 (transcription factor 20; minus strand). Cytogenetic location: 22q13.2.
Variant type: single nucleotide variant.
Coding change: c.141T>G on transcript NM_001378418.1 (MANE Select); coding-DNA position 141, T replaced by G.
Protein change: p.Ser47Arg; replaces serine 47 with arginine.
Molecular consequence: missense variant.
Genome position (GRCh38, 1-based): chr22:42,215,165, A>C on the plus strand (T>G on the coding strand, the complement: TCF20 is on the minus strand). VCF-style: chr22-42215165-A-C. GRCh37 (hg19) VCF-style: chr22-42611171-A-C.
Other names: c.141T>G, p.Ser47Arg (NM_005650.4, NM_181492.3); short protein forms S47R.
Identifiers: ClinVar variation 3726468 (VCV003726468.2).